The following is an entry in ClinVar:

NM_020964.3(EPG5):c.2728C>T (p.His910Tyr)

Gene: EPG5 (ectopic P-granules 5 autophagy tethering factor; minus strand). Cytogenetic location: 18q21.1.
Variant type: single nucleotide variant.
Coding change: c.2728C>T on transcript NM_020964.3 (MANE Select); coding-DNA position 2728, C replaced by T.
Protein change: p.His910Tyr; replaces histidine 910 with tyrosine.
Molecular consequence: missense variant.
Genome position (GRCh38, 1-based): chr18:45,923,378, G>A on the plus strand (C>T on the coding strand, the complement: EPG5 is on the minus strand). VCF-style: chr18-45923378-G-A. GRCh37 (hg19) VCF-style: chr18-43503344-G-A.
Other names: c.2728C>T, p.His910Tyr (NM_001410858.1, NM_001410859.1); short protein forms H910Y.
Identifiers: ClinVar variation 3722688 (VCV003722688.2).

ClinVar aggregate classification (germline): Uncertain significance (1 of 4 stars; one submission).

Conditions:
Vici syndrome (VICIS). Identifiers: Orphanet 1493, MedGen C1855772, MONDO:0009452, OMIM 242840.

gnomAD v4.1: 2 of 1,612,458 alleles (0.00012%); highest among the groups gnomAD compares: Non-Finnish European, 0.000085%; no homozygotes.

Submission:

Labcorp Genetics (formerly Invitae), Labcorp
Classification: Uncertain significance for Vici syndrome. Last evaluated: 2024-10-21. Review status: criteria provided, single submitter. Criteria: Invitae Variant Classification Sherloc (09022015). Collection method: clinical testing. Allele origin: germline.
Comment: This sequence change replaces histidine, which is basic and polar, with tyrosine, which is neutral and polar, at codon 910 of the EPG5 protein (p.His910Tyr). This variant is not present in population databases (gnomAD no frequency). This variant has not been reported in the literature in individuals affected with EPG5-related conditions. Invitae Evidence Modeling of protein sequence and biophysical properties (such as structural, functional, and spatial information, amino acid conservation, physicochemical variation, residue mobility, and thermodynamic stability) indicates that this missense variant is not expected to disrupt EPG5 protein function with a negative predictive value of 80%. In summary, the available evidence is currently insufficient to determine the role of this variant in disease. Therefore, it has been classified as a Variant of Uncertain Significance.